The following is an entry in ClinVar:

NM_006206.6(PDGFRA):c.2563-3C>G

Gene: PDGFRA (platelet derived growth factor receptor alpha; plus strand). Cytogenetic location: 4q12.
Variant type: single nucleotide variant.
Coding change: c.2563-3C>G on transcript NM_006206.6 (MANE Select); 3 bases into the intron before coding-DNA position 2563, C replaced by G.
Molecular consequence: intron variant.
Genome position (GRCh38, 1-based): chr4:54,287,427, C>G. VCF-style: chr4-54287427-C-G. GRCh37 (hg19) VCF-style: chr4-55153594-C-G.
Other names: c.2638-3C>G (NM_001347828.2); c.2563-3C>G (NM_001347829.2); c.2602-3C>G (NM_001347830.2).
Identifiers: ClinVar variation 1423124 (VCV001423124.6), dbSNP rs2110341114, ClinGen allele CA2573137834.

ClinVar aggregate classification (germline): Uncertain significance (1 of 4 stars; one submission).

Conditions:
Gastrointestinal stromal tumor. Also called: Gastrointestinal stroma tumor; Gastrointestinal stromal tumor, somatic. Identifiers: Orphanet 44890, MedGen C0238198, MeSH D046152, MONDO:0011719, OMIM 606764, HP:0100723.

Submission:

Labcorp Genetics (formerly Invitae), Labcorp
Classification: Uncertain significance for Gastrointestinal stromal tumor. Last evaluated: 2020-11-14. Review status: criteria provided, single submitter. Criteria: Invitae Variant Classification Sherloc (09022015). Collection method: clinical testing. Allele origin: germline.
Comment: This variant has not been reported in the literature in individuals with PDGFRA-related conditions. Nucleotide substitutions within the consensus splice site are a relatively common cause of aberrant splicing (PMID: 17576681, 9536098). Algorithms developed to predict the effect of sequence changes on RNA splicing suggest that this variant may disrupt the consensus splice site, but this prediction has not been confirmed by published transcriptional studies. In summary, the available evidence is currently insufficient to determine the role of this variant in disease. Therefore, it has been classified as a Variant of Uncertain Significance. This variant is not present in population databases (ExAC no frequency). This sequence change falls in intron 18 of the PDGFRA gene. It does not directly change the encoded amino acid sequence of the PDGFRA protein. It affects a nucleotide within the consensus splice site of the intron.

Literature cited by the submitters: PubMed 17576681; PubMed 9536098.